The following is an entry in ClinVar:

NM_001029896.2(WDR45):c.506T>C (p.Leu169Pro)

Gene: WDR45 (WD repeat domain 45; minus strand). Cytogenetic location: Xp11.23.
Variant type: single nucleotide variant.
Coding change: c.506T>C on transcript NM_001029896.2 (MANE Select); coding-DNA position 506, T replaced by C.
Protein change: p.Leu169Pro; replaces leucine 169 with proline.
Molecular consequence: missense variant.
Genome position (GRCh38, 1-based): chrX:49,075,876, A>G on the plus strand (T>C on the coding strand, the complement: WDR45 is on the minus strand). VCF-style: chrX-49075876-A-G. GRCh37 (hg19) VCF-style: chrX-48933535-A-G.
Other names: c.509T>C, p.Leu170Pro (NM_007075.4); short protein forms L170P, L169P.
Identifiers: ClinVar variation 3720056 (VCV003720056.2).
Genomic context (GRCh38, chrX:49,075,876, plus strand): 5'-AAGGAAGCCAGTCCACCAACCTACCCACCCTTGTCCACTGGACGGCTCACCACAAGTTGC[A>G]GACTCCCACACTTGTGTCCCGGGAACACTAGCAGTTGCTTCTCCAGGCTGGGGCAGAGGT-3'
Protein context (NP_001025067.1, residues 159-179): LVFPGHKCGS[Leu169Pro]QLVDLASTKP

ClinVar aggregate classification (germline): Uncertain significance (1 of 4 stars; one submission).

Conditions:
Neurodegeneration with brain iron accumulation 5 (NBIA5). Also called: Beta-propeller protein-associated neurodegeneration; STATIC ENCEPHALOPATHY OF CHILDHOOD WITH NEURODEGENERATION IN ADULTHOOD. Identifiers: Orphanet 329284, MedGen C3550973, MONDO:0010476, OMIM 300894.

Submission:

Labcorp Genetics (formerly Invitae), Labcorp
Classification: Uncertain significance for Neurodegeneration with brain iron accumulation 5. Last evaluated: 2024-11-20. Review status: criteria provided, single submitter. Criteria: Invitae Variant Classification Sherloc (09022015). Collection method: clinical testing. Allele origin: germline.
Comment: This sequence change replaces leucine, which is neutral and non-polar, with proline, which is neutral and non-polar, at codon 170 of the WDR45 protein (p.Leu170Pro). This variant is not present in population databases (gnomAD no frequency). This variant has not been reported in the literature in individuals affected with WDR45-related conditions. Invitae Evidence Modeling of protein sequence and biophysical properties (such as structural, functional, and spatial information, amino acid conservation, physicochemical variation, residue mobility, and thermodynamic stability) has been performed for this missense variant. However, the output from this modeling did not meet the statistical confidence thresholds required to predict the impact of this variant on WDR45 protein function. In summary, the available evidence is currently insufficient to determine the role of this variant in disease. Therefore, it has been classified as a Variant of Uncertain Significance.